The following is an entry in ClinVar:

NM_001042492.3(NF1):c.2328T>G (p.Ala776=)

Gene: NF1 (neurofibromin 1; plus strand). Cytogenetic location: 17q11.2.
Variant type: single nucleotide variant.
Coding change: c.2328T>G on transcript NM_001042492.3 (MANE Select); coding-DNA position 2328, T replaced by G.
Protein change: p.Ala776=; no amino-acid change (alanine 776 retained).
Molecular consequence: synonymous variant.
Genome position (GRCh38, 1-based): chr17:31,227,525, T>G. VCF-style: chr17-31227525-T-G. GRCh37 (hg19) VCF-style: chr17-29554543-T-G.
Other names: c.2328T>G, p.Ala776= (NM_000267.4).
Identifiers: ClinVar variation 481879 (VCV000481879.37), dbSNP rs1555613978, ClinGen allele CA499226021.

ClinVar aggregate classification (germline): Benign/Likely benign. Review status: criteria provided, multiple submitters, no conflicts (2 of 4 stars). 5 submissions from 5 submitters: Benign (1); Likely benign (4). Last evaluated 2026-09-24.

Conditions:
Cardiovascular phenotype. Identifiers: MedGen CN230736.
Hereditary cancer-predisposing syndrome. Also called: Tumor predisposition; Neoplastic Syndromes, Hereditary; Hereditary Cancer Syndrome; Hereditary neoplastic syndrome. Identifiers: Orphanet 140162, MedGen C0027672, MeSH D009386, MONDO:0015356.
Neurofibromatosis, type 1 (NF1). Also called: NEUROFIBROMATOSIS, TYPE I, SOMATIC; Peripheral type neurofibromatosis; VON RECKLINGHAUSEN DISEASE; Neurofibromatosis, type I. Identifiers: Orphanet 636, MedGen C0027831, MONDO:0018975, OMIM 162200. Disease mechanism: loss of function.

Allele frequency attached by ClinVar (database versions not stated): gnomAD exomes below 0.00001.
gnomAD v4.1: 1 of 1,613,740 alleles (0.000062%); highest among the groups gnomAD compares: African/African-American, 0.0013%; no homozygotes.

Submissions (5):

Myriad Genetics, Inc.
Classification: Benign for Neurofibromatosis, type 1. Last evaluated: 2026-09-24. Review status: criteria provided, single submitter. Criteria: Myriad Autosomal Dominant, Autosomal Recessive and X-Linked Classification Criteria (2023). Collection method: clinical testing. Allele origin: unknown.
Comment: This variant is considered benign. This variant is a silent/synonymous amino acid change and it is not expected to impact splicing.

Labcorp Genetics (formerly Invitae), Labcorp
Classification: Likely benign for Neurofibromatosis, type 1. Last evaluated: 2026-01-07. Review status: criteria provided, single submitter. Criteria: Invitae Variant Classification Sherloc (09022015). Collection method: clinical testing. Allele origin: germline.

Genome-Nilou Lab
Classification: Likely benign for Neurofibromatosis, type 1. Last evaluated: 2022-03-15. Review status: criteria provided, single submitter. Criteria: ACMG Guidelines, 2015. Collection method: clinical testing. Allele origin: germline. Affected: no.

CeGaT Center for Human Genetics Tuebingen
Classification: Likely benign. Last evaluated: 2022-03-01. Review status: criteria provided, single submitter. Criteria: CeGaT Center For Human Genetics Tuebingen Variant Classification Criteria Version 2. Collection method: clinical testing. Allele origin: germline. Affected: yes. Observed: 1 variant allele.
Comment: NF1: PM2:Supporting, BP4, BP7

Ambry Genetics
Classification: Likely benign for Cardiovascular phenotype; Hereditary cancer-predisposing syndrome. Last evaluated: 2015-03-16. Review status: criteria provided, single submitter. Criteria: Ambry General Variant Classification Scheme_2022. Collection method: clinical testing. Allele origin: germline. Observed: 1 variant allele.